The following is an entry in ClinVar:

ClinVar aggregate classification (germline): Benign/Likely benign. Review status: criteria provided, multiple submitters, no conflicts (2 of 4 stars). 5 submissions from 5 submitters: Benign (1); Likely benign (4). Last evaluated 2026-01-05.

Allele frequency attached by ClinVar (database versions not stated): gnomAD exomes 0.00038 and 0.00097; ExAC 0.00111; gnomAD 0.00389 and 0.00406; TOPMed 0.00422; 1000 Genomes Project 30x 0.00500; ESP Exome Variant Server 0.00551; 1000 Genomes Project 0.00559.
gnomAD v4.1: 1,163 of 1,613,858 alleles (0.072%); highest among the groups gnomAD compares: African/African-American, 1.4%; 4 homozygotes.

Submissions (5):

Labcorp Genetics (formerly Invitae), Labcorp
Classification: Benign. Last evaluated: 2026-01-05. Review status: criteria provided, single submitter. Criteria: Invitae Variant Classification Sherloc (09022015). Collection method: clinical testing. Allele origin: germline.

CeGaT Center for Human Genetics Tuebingen
Classification: Likely benign. Last evaluated: 2025-12-01. Review status: criteria provided, single submitter. Criteria: CeGaT Center For Human Genetics Tuebingen Variant Classification Criteria Version 2. Collection method: clinical testing. Allele origin: germline. Affected: yes. Observed: 4 variant alleles.
Comment: KMT2B: BP4, BP7, BS1

Blueprint Genetics
Classification: Likely benign. Last evaluated: 2024-09-13. Review status: criteria provided, single submitter. Criteria: ACMG Guidelines, 2015. Collection method: clinical testing. Allele origin: germline.

GeneDx
Classification: Likely benign. Last evaluated: 2021-09-24. Review status: criteria provided, single submitter. Criteria: GeneDx Variant Classification Process June 2021. Collection method: clinical testing. Allele origin: germline. Affected: yes.

Breakthrough Genomics
Classification: Likely benign. Review status: criteria provided, single submitter. Criteria: ACMG Guidelines, 2015. Collection method: not provided. Allele origin: germline. Inheritance: Autosomal dominant inheritance. Affected: yes.

NM_014727.3(KMT2B):c.5187C>T (p.Asn1729=)

Gene: KMT2B (lysine methyltransferase 2B; plus strand). Cytogenetic location: 19q13.12.
Variant type: single nucleotide variant.
Coding change: c.5187C>T on transcript NM_014727.3 (MANE Select); coding-DNA position 5187, C replaced by T.
Protein change: p.Asn1729=; no amino-acid change (asparagine 1729 retained).
Molecular consequence: synonymous variant.
Genome position (GRCh38, 1-based): chr19:35,730,452, C>T. VCF-style: chr19-35730452-C-T. GRCh37 (hg19) VCF-style: chr19-36221353-C-T.
Identifiers: ClinVar variation 720780 (VCV000720780.37), dbSNP rs34980546, ClinGen allele CA9385328.